The following is an entry in ClinVar:

ClinVar aggregate classification (germline): Pathogenic/Likely pathogenic. Review status: criteria provided, multiple submitters, no conflicts (2 of 4 stars). 2 submissions from 2 submitters: Pathogenic (1); Likely pathogenic (1). Last evaluated 2025-03-27.

Conditions:
Epilepsy, childhood absence, susceptibility to, 5. Identifiers: Orphanet 64280, MedGen C2677087, MONDO:0012843, OMIM 612269.
Epilepsy, childhood absence, susceptibility to, 1. Also called: Epilepsy, childhood absence 1. Identifiers: Orphanet 64280, MedGen C1838604, MONDO:0020759, OMIM 600131.
Inborn genetic diseases. Identifiers: MedGen C0950123, MeSH D030342.

Submissions (2):

Labcorp Genetics (formerly Invitae), Labcorp
Classification: Pathogenic for Epilepsy, childhood absence, susceptibility to, 5; Epilepsy, childhood absence, susceptibility to, 1. Last evaluated: 2025-03-27. Review status: criteria provided, single submitter. Criteria: Invitae Variant Classification Sherloc (09022015). Collection method: clinical testing. Allele origin: germline.
Comment: This sequence change replaces threonine, which is neutral and polar, with isoleucine, which is neutral and non-polar, at codon 288 of the GABRB3 protein (p.Thr288Ile). This variant is not present in population databases (gnomAD no frequency). This missense change has been observed in individual(s) with developmental and epileptic encephalopathy (PMID: 34698933). In at least one individual the variant was observed to be de novo. ClinVar contains an entry for this variant (Variation ID: 521964). Invitae Evidence Modeling of protein sequence and biophysical properties (such as structural, functional, and spatial information, amino acid conservation, physicochemical variation, residue mobility, and thermodynamic stability) indicates that this missense variant is expected to disrupt GABRB3 protein function with a positive predictive value of 95%. This variant disrupts the p.Thr288 amino acid residue in GABRB3. Other variant(s) that disrupt this residue have been determined to be pathogenic (PMID: 29162865). This suggests that this residue is clinically significant, and that variants that disrupt this residue are likely to be disease-causing. For these reasons, this variant has been classified as Pathogenic.

Ambry Genetics
Classification: Likely pathogenic for Inborn genetic diseases. Last evaluated: 2017-08-08. Review status: criteria provided, single submitter. Criteria: Ambry exome assertion method (8-5-2015). Collection method: clinical testing. Allele origin: germline. Affected: yes. Observed: 1 variant allele.

Literature cited by the submitters: PubMed 34698933 (cited by Labcorp Genetics (formerly Invitae), Labcorp); PubMed 29162865 (cited by Labcorp Genetics (formerly Invitae), Labcorp); PubMed 26993267 (cited by Ambry Genetics); PubMed 26645412 (cited by Ambry Genetics).

NM_000814.6(GABRB3):c.863C>T (p.Thr288Ile)

Gene: GABRB3 (gamma-aminobutyric acid type A receptor subunit beta3; minus strand). Cytogenetic location: 15q12.
Variant type: single nucleotide variant.
Coding change: c.863C>T on transcript NM_000814.6 (MANE Select); coding-DNA position 863, C replaced by T.
Protein change: p.Thr288Ile; replaces threonine 288 with isoleucine.
Molecular consequence: missense variant.
Genome position (GRCh38, 1-based): chr15:26,561,149, G>A on the plus strand (C>T on the coding strand, the complement: GABRB3 is on the minus strand). VCF-style: chr15-26561149-G-A. GRCh37 (hg19) VCF-style: chr15-26806296-G-A.
Other names: c.608C>T, p.Thr203Ile (NM_001191320.2, NM_001278631.2); c.650C>T, p.Thr217Ile (NM_001191321.3); c.863C>T, p.Thr288Ile (NM_021912.5); short protein forms T288I, T217I, T203I.
Identifiers: ClinVar variation 521964 (VCV000521964.7), dbSNP rs1555401440, ClinGen allele CA391462322.